The following is an entry in ClinVar:

ClinVar aggregate classification (germline): Conflicting classifications of pathogenicity. Review status: criteria provided, conflicting classifications (1 of 4 stars). 2 submissions from 2 submitters: Uncertain significance (1); Likely benign (1). Last evaluated 2025-07-12.

Conditions:
Severe combined immunodeficiency due to DNA-PKcs deficiency. Also called: IMMUNODEFICIENCY 26 WITH NEUROLOGIC ABNORMALITIES; Immunodeficiency 26 with or without neurologic abnormalities. Identifiers: Orphanet 317425, MedGen C4014833, MONDO:0014423, OMIM 615966.

gnomAD v4.1: 28 of 1,594,362 alleles (0.0018%); highest among the groups gnomAD compares: Non-Finnish European, 0.0022%; no homozygotes.

Submissions (2):

Ambry Genetics
Classification: Likely benign. Last evaluated: 2025-07-12. Review status: criteria provided, single submitter. Criteria: Ambry Variant Classification Scheme 2023. Collection method: clinical testing. Allele origin: germline.

Labcorp Genetics (formerly Invitae), Labcorp
Classification: Uncertain significance for Severe combined immunodeficiency due to DNA-PKcs deficiency. Last evaluated: 2022-10-13. Review status: criteria provided, single submitter. Criteria: Invitae Variant Classification Sherloc (09022015). Collection method: clinical testing. Allele origin: germline.
Comment: This sequence change replaces alanine, which is neutral and non-polar, with threonine, which is neutral and polar, at codon 1161 of the PRKDC protein (p.Ala1161Thr). This variant is present in population databases (no rsID available, gnomAD 0.004%). This variant has not been reported in the literature in individuals affected with PRKDC-related conditions. ClinVar contains an entry for this variant (Variation ID: 1375163). Advanced modeling of protein sequence and biophysical properties (such as structural, functional, and spatial information, amino acid conservation, physicochemical variation, residue mobility, and thermodynamic stability) performed at Invitae indicates that this missense variant is not expected to disrupt PRKDC protein function. In summary, the available evidence is currently insufficient to determine the role of this variant in disease. Therefore, it has been classified as a Variant of Uncertain Significance.

NM_006904.7(PRKDC):c.3481G>A (p.Ala1161Thr)

Gene: PRKDC (protein kinase, DNA-activated, catalytic subunit; minus strand). Cytogenetic location: 8q11.21.
Variant type: single nucleotide variant.
Coding change: c.3481G>A on transcript NM_006904.7 (MANE Select); coding-DNA position 3481, G replaced by A.
Protein change: p.Ala1161Thr; replaces alanine 1161 with threonine.
Molecular consequence: missense variant.
Genome position (GRCh38, 1-based): chr8:47,897,278, C>T on the plus strand (G>A on the coding strand, the complement: PRKDC is on the minus strand). VCF-style: chr8-47897278-C-T. GRCh37 (hg19) VCF-style: chr8-48809838-C-T.
Other names: c.3481G>A, p.Ala1161Thr (NM_001081640.2); short protein forms A1161T.
Identifiers: ClinVar variation 1375163 (VCV001375163.6), dbSNP rs977593814, ClinGen allele CA176153131.